The following is an entry in ClinVar:

ClinVar aggregate classification (germline): Conflicting classifications of pathogenicity. Review status: criteria provided, conflicting classifications (1 of 4 stars). 2 submissions from 2 submitters: Likely pathogenic (1); Uncertain significance (1). Last evaluated 2021-08-27.

Conditions:
Glycogen storage disease type III (GSD3). Also called: Cori disease; FORBES DISEASE. Identifiers: Orphanet 366, MedGen C0017922, MONDO:0009291, OMIM 232400.
AGL-related disorder. Also called: AGL-related condition.

Allele frequency attached by ClinVar (database versions not stated): ExAC 0.00001; gnomAD 0.00001.
gnomAD v4.1: 2 of 1,613,958 alleles (0.00012%); highest among the groups gnomAD compares: South Asian, 0.0011%; no homozygotes.

Submissions (2):

Labcorp Genetics (formerly Invitae), Labcorp
Classification: Uncertain significance for Glycogen storage disease type III. Last evaluated: 2021-08-27. Review status: criteria provided, single submitter. Criteria: Invitae Variant Classification Sherloc (09022015). Collection method: clinical testing. Allele origin: germline.
Comment: This sequence change replaces tyrosine with cysteine at codon 495 of the AGL protein (p.Tyr495Cys). The tyrosine residue is moderately conserved and there is a large physicochemical difference between tyrosine and cysteine. This variant is present in population databases (rs746119079, ExAC 0.006%). This variant has not been reported in the literature in individuals affected with AGL-related conditions. Algorithms developed to predict the effect of missense changes on protein structure and function are either unavailable or do not agree on the potential impact of this missense change (SIFT: "Deleterious"; PolyPhen-2: "Probably Damaging"; Align-GVGD: "Class C0"). In summary, the available evidence is currently insufficient to determine the role of this variant in disease. Therefore, it has been classified as a Variant of Uncertain Significance.

Blueprint Genetics
Classification: Likely pathogenic for AGL-related disorders. Last evaluated: 2018-09-11. Review status: criteria provided, single submitter. Criteria: ACMG Guidelines, 2015. Collection method: clinical testing. Allele origin: germline. Affected: yes. Observed: 1 variant allele.

NM_000642.3(AGL):c.1484A>G (p.Tyr495Cys)

Gene: AGL (amylo-alpha-1,6-glucosidase and 4-alpha-glucanotransferase; plus strand). Cytogenetic location: 1p21.2.
Variant type: single nucleotide variant.
Coding change: c.1484A>G on transcript NM_000642.3 (MANE Select); coding-DNA position 1484, A replaced by G.
Protein change: p.Tyr495Cys; replaces tyrosine 495 with cysteine.
Molecular consequence: missense variant.
Genome position (GRCh38, 1-based): chr1:99,877,701, A>G. VCF-style: chr1-99877701-A-G. GRCh37 (hg19) VCF-style: chr1-100343257-A-G.
Other names: c.1484A>G, p.Tyr495Cys (NM_000028.3, NM_000643.3, NM_000644.3 and 2 more transcripts); c.1436A>G, p.Tyr479Cys (NM_000646.3); c.1283A>G, p.Tyr428Cys (NM_001425327.1); c.1280A>G, p.Tyr427Cys (NM_001425328.1, NM_001425329.1); c.1106A>G, p.Tyr369Cys (NM_001425332.1); short protein forms Y479C, Y495C, Y369C, Y427C, Y428C.
Identifiers: ClinVar variation 1051743 (VCV001051743.7), dbSNP rs746119079, ClinGen allele CA966512.
Genomic context (GRCh38, chr1:99,877,701, plus strand): 5'-GTTCAGAAGTTTACCTAAGGAGAGAACTTATTTGCTGGGGAGACAGTGTTAAATTACGCT[A>G]TGGGAATAAACCAGAGGACTGTCCTTATCTCTGGGCACACATGAAAAAATACACTGAAAT-3'
Protein context (NP_000633.2, residues 485-505): ICWGDSVKLR[Tyr495Cys]GNKPEDCPYL